The following is an entry in ClinVar:

NM_001386298.1(CIC):c.3301C>A (p.Pro1101Thr)

Gene: CIC (capicua transcriptional repressor; plus strand). Cytogenetic location: 19q13.2.
Variant type: single nucleotide variant.
Coding change: c.3301C>A on transcript NM_001386298.1 (MANE Select); coding-DNA position 3301, C replaced by A.
Protein change: p.Pro1101Thr; replaces proline 1101 with threonine.
Molecular consequence: missense variant.
Genome position (GRCh38, 1-based): chr19:42,287,441, C>A. VCF-style: chr19-42287441-C-A. GRCh37 (hg19) VCF-style: chr19-42791593-C-A.
Other names: c.574C>A, p.Pro192Thr (NM_001379484.1, NM_001379485.1, NM_015125.5); c.3301C>A, p.Pro1101Thr (NM_001304815.2, NM_001379480.1, NM_001379482.1 and 1 more transcripts); short protein forms P1101T, P192T.
Identifiers: ClinVar variation 2649980 (VCV002649980.24), dbSNP rs1309604183, ClinGen allele CA406097430.

ClinVar aggregate classification (germline): Uncertain significance (1 of 4 stars; one submission).

Submission:

CeGaT Center for Human Genetics Tuebingen
Classification: Uncertain significance. Last evaluated: 2023-02-01. Review status: criteria provided, single submitter. Criteria: CeGaT Center For Human Genetics Tuebingen Variant Classification Criteria Version 2. Collection method: clinical testing. Allele origin: germline. Affected: yes. Observed: 1 variant allele.
Comment: CIC: PM2